The following is an entry in ClinVar:

ClinVar aggregate classification (germline): Uncertain significance. Review status: criteria provided, multiple submitters, no conflicts (2 of 4 stars). 2 submissions from 2 submitters: Uncertain significance (2). Last evaluated 2019-01-26.

Conditions:
Familial hypocalciuric hypercalcemia (FHH). Also called: Familial benign hypercalcemia. Identifiers: Orphanet 405, MedGen C1809471, MONDO:0018458.
Autosomal dominant hypocalcemia 1 (HYPOC1). Also called: HYPOCALCEMIA, FAMILIAL. Identifiers: MedGen C3715128, MONDO:0011013, OMIM 601198.

gnomAD v4.1: 1 of 1,614,080 alleles (0.000062%); highest among the groups gnomAD compares: Non-Finnish European, 0.000085%; no homozygotes.

Submissions (2):

Labcorp Genetics (formerly Invitae), Labcorp
Classification: Uncertain significance for Familial hypocalciuric hypercalcemia; Autosomal dominant hypocalcemia 1. Last evaluated: 2019-01-26. Review status: criteria provided, single submitter. Criteria: Invitae Variant Classification Sherloc (09022015). Collection method: clinical testing. Allele origin: germline.
Comment: This variant has not been reported in the literature in individuals with CASR-related conditions. This variant is not present in population databases (ExAC no frequency). This sequence change replaces glutamic acid with aspartic acid at codon 799 of the CASR protein (p.Glu799Asp). The glutamic acid residue is highly conserved and there is a small physicochemical difference between glutamic acid and aspartic acid. Algorithms developed to predict the effect of missense changes on protein structure and function are either unavailable or do not agree on the potential impact of this missense change (SIFT: "Deleterious"; PolyPhen-2: "Probably Damaging"; Align-GVGD: "Class C0"). In summary, the available evidence is currently insufficient to determine the role of this variant in disease. Therefore, it has been classified as a Variant of Uncertain Significance.

Athena Diagnostics
Classification: Uncertain significance. Last evaluated: 2018-11-29. Review status: criteria provided, single submitter. Criteria: Athena Diagnostics Criteria. Collection method: clinical testing. Allele origin: germline.

NM_000388.4(CASR):c.2397G>C (p.Glu799Asp)

Gene: CASR (calcium sensing receptor; plus strand). Cytogenetic location: 3q21.1.
Variant type: single nucleotide variant.
Coding change: c.2397G>C on transcript NM_000388.4 (MANE Select); coding-DNA position 2397, G replaced by C.
Protein change: p.Glu799Asp; replaces glutamic acid 799 with aspartic acid.
Molecular consequence: missense variant.
Genome position (GRCh38, 1-based): chr3:122,284,351, G>C. VCF-style: chr3-122284351-G-C. GRCh37 (hg19) VCF-style: chr3-122003198-G-C.
Other names: c.2427G>C, p.Glu809Asp (NM_001178065.2); short protein forms E809D, E799D.
Identifiers: ClinVar variation 804664 (VCV000804664.11), dbSNP rs752953216, ClinGen allele CA354159705.